The following is an entry in ClinVar:

ClinVar aggregate classification (germline): Conflicting classifications of pathogenicity. Review status: criteria provided, conflicting classifications (1 of 4 stars). 2 submissions from 2 submitters: Likely pathogenic (1); Uncertain significance (1). Last evaluated 2024-06-26.

Conditions:
Arthrogryposis multiplex congenita (AMC). Also called: Congenital multiple arthrogryposis; Fibrous ankylosis of multiple joints; Congenital arthromyodysplasia; Myodystrophia fetalis deformans; Otto syndrome; Rocher-Sheldon syndrome. Identifiers: Orphanet 1037, MedGen C5779613, MeSH D001176, MONDO:0015168, HP:0002804.
Fetal akinesia deformation sequence 1 (FADS1). Also called: Pena-Shokeir syndrome type I; Fetal akinesia sequence. Identifiers: Orphanet 994, MedGen C1276035, MONDO:0100101, OMIM 208150, HP:0001989.

Allele frequency attached by ClinVar (database versions not stated): gnomAD exomes 0.00003 and 0.00004; gnomAD 0.00005; TOPMed 0.00005; ExAC 0.00011.
gnomAD v4.1: 54 of 1,551,174 alleles (0.0035%); highest among the groups gnomAD compares: Non-Finnish European, 0.0047%; no homozygotes.

Submissions (2):

GeneDx
Classification: Uncertain significance. Last evaluated: 2024-06-26. Review status: criteria provided, single submitter. Criteria: GeneDx Variant Classification Process June 2021. Collection method: clinical testing. Allele origin: germline. Affected: yes.
Comment: In silico analysis supports that this missense variant has a deleterious effect on protein structure/function; In silico analysis suggests this variant may impact gene splicing. In the absence of RNA/functional studies, the actual effect of this sequence change is unknown; This variant is associated with the following publications: (PMID: 31680123)

Cirak Lab, University Hospital Cologne
Classification: Likely pathogenic for Arthrogryposis multiplex congenita; Fetal akinesia sequence. Last evaluated: 2019-06-28. Review status: criteria provided, single submitter. Criteria: ACMG Guidelines, 2015. Collection method: research. Allele origin: paternal. Affected: yes. Observed: 1 variant allele.

Literature cited by the submitters: PubMed 31680123 (cited by Cirak Lab, University Hospital Cologne).

NM_139284.3(LGI4):c.504G>C (p.Trp168Cys)

Gene: LGI4 (leucine rich repeat LGI family member 4; minus strand). Cytogenetic location: 19q13.12.
Variant type: single nucleotide variant.
Coding change: c.504G>C on transcript NM_139284.3 (MANE Select); coding-DNA position 504, G replaced by C.
Protein change: p.Trp168Cys; replaces tryptophan 168 with cysteine.
Molecular consequence: missense variant.
Genome position (GRCh38, 1-based): chr19:35,131,510, C>G on the plus strand (G>C on the coding strand, the complement: LGI4 is on the minus strand). VCF-style: chr19-35131510-C-G. GRCh37 (hg19) VCF-style: chr19-35622414-C-G.
Other names: short protein forms W168C.
Identifiers: ClinVar variation 692277 (VCV000692277.3), dbSNP rs201728190, ClinGen allele CA9373323.
Genomic context (GRCh38, chr19:35,131,510, plus strand): 5'-GGGGCCCGCACAGGCGCCGGTCCCCACGCTGGCATTCACGGTGGGCATCCACTGCAGGAG[C>G]CAGAGGACGCGGCAGTCACACTGGAACGGGTTCCCGCGGAGGTCCCTGGGGCAAGAGGCC-3'
Protein context (NP_644813.1, residues 158-178): NPFQCDCRVL[Trp168Cys]LLQWMPTVNA